The following is an entry in ClinVar:

ClinVar aggregate classification (germline): Pathogenic (1 of 4 stars; one submission).

Submission:

Labcorp Genetics (formerly Invitae), Labcorp
Classification: Pathogenic. Last evaluated: 2023-12-07. Review status: criteria provided, single submitter. Criteria: Invitae Variant Classification Sherloc (09022015). Collection method: clinical testing. Allele origin: germline.
Comment: This variant is a gross deletion of the genomic region encompassing exon(s) 4 of the TBXAS1 gene. This deletion is out-of-frame, and is expected to create a premature termination codon and result in an absent or disrupted protein product. Loss-of-function variants in TBXAS1 are known to be pathogenic (PMID: 22735388). This variant has not been reported in the literature in individuals affected with TBXAS1-related conditions. For these reasons, this variant has been classified as Pathogenic.

Literature cited by the submitters: PubMed 22735388.

NC_000007.13:g.(?_139611004)_(139611140_?)del

Gene: TBXAS1 (thromboxane A synthase 1; plus strand). Cytogenetic location: 7q34.
Variant type: Deletion.
Identifiers: ClinVar variation 1450444 (VCV001450444.5).